The following is an entry in ClinVar:

ClinVar aggregate classification (germline): Uncertain significance (1 of 4 stars; one submission).

Conditions:
Catecholaminergic polymorphic ventricular tachycardia 1. Also called: RYR2-Related Catecholaminergic Polymorphic Ventricular Tachycardia; VENTRICULAR TACHYCARDIA, CATECHOLAMINERGIC POLYMORPHIC, 1, WITH OR WITHOUT ATRIAL DYSFUNCTION AND/OR DILATED CARDIOMYOPATHY; VENTRICULAR TACHYCARDIA, STRESS-INDUCED POLYMORPHIC 1. Identifiers: Orphanet 3286, MedGen C1631597, MONDO:0011484, OMIM 604772.

Submission:

Labcorp Genetics (formerly Invitae), Labcorp
Classification: Uncertain significance for Catecholaminergic polymorphic ventricular tachycardia 1. Last evaluated: 2021-04-14. Review status: criteria provided, single submitter. Criteria: Invitae Variant Classification Sherloc (09022015). Collection method: clinical testing. Allele origin: germline.
Comment: This sequence change replaces aspartic acid with asparagine at codon 4079 of the RYR2 protein (p.Asp4079Asn). The aspartic acid residue is highly conserved and there is a small physicochemical difference between aspartic acid and asparagine. This variant is not present in population databases (ExAC no frequency). This variant has not been reported in the literature in individuals with RYR2-related disease. Algorithms developed to predict the effect of missense changes on protein structure and function are either unavailable or do not agree on the potential impact of this missense change (SIFT: "Deleterious"; PolyPhen-2: "Benign"; Align-GVGD: "Class C15"). In summary, the available evidence is currently insufficient to determine the role of this variant in disease. Therefore, it has been classified as a Variant of Uncertain Significance.

NM_001035.3(RYR2):c.12235G>A (p.Asp4079Asn)

Gene: RYR2 (ryanodine receptor 2; plus strand). Cytogenetic location: 1q43.
Variant type: single nucleotide variant.
Coding change: c.12235G>A on transcript NM_001035.3 (MANE Select); coding-DNA position 12235, G replaced by A.
Protein change: p.Asp4079Asn; replaces aspartic acid 4079 with asparagine.
Molecular consequence: missense variant.
Genome position (GRCh38, 1-based): chr1:237,783,947, G>A. VCF-style: chr1-237783947-G-A. GRCh37 (hg19) VCF-style: chr1-237947247-G-A.
Other names: c.12235G>A, p.Asp4079Asn (LRG_402t1); short protein forms D4079N.
Identifiers: ClinVar variation 565875 (VCV000565875.10), dbSNP rs868071612, ClinGen allele CA39827179.
Genomic context (GRCh38, chr1:237,783,947, plus strand): 5'-ACGCAGTCAGAAACGGAATTTCTTTTGTCTTGTGCGGAGACGGATGAGAATGAAACCCTC[G>A]ACTACGAAGAGTTCGTCAAACGCTTCCACGAACCTGCGAAGGACATCGGCTTCAACGTCG-3'
Protein context (NP_001026.2, residues 4069-4089): CAETDENETL[Asp4079Asn]YEEFVKRFHE